The following is an entry in ClinVar:

NM_001166114.2(PNPLA6):c.2465+4T>C

Gene: PNPLA6 (patatin like domain 6, lysophospholipase; plus strand). Cytogenetic location: 19p13.2.
Variant type: single nucleotide variant.
Coding change: c.2465+4T>C on transcript NM_001166114.2 (MANE Select); 4 bases into the intron after coding-DNA position 2465, T replaced by C.
Molecular consequence: intron variant.
Genome position (GRCh38, 1-based): chr19:7,554,276, T>C. VCF-style: chr19-7554276-T-C. GRCh37 (hg19) VCF-style: chr19-7619162-T-C.
Other names: c.2351+4T>C (NM_006702.5, NM_001166113.1); c.2270+4T>C (NM_001166112.2); c.2495+4T>C (NM_001166111.2).
Identifiers: ClinVar variation 1012105 (VCV001012105.9), dbSNP rs758703848, ClinGen allele CA9140114.
Genomic context (GRCh38, chr19:7,554,276, plus strand): 5'-GCTACTCCTTAACAGTGACATCATCCGGGCACGCCTGGGGGCCTCCGCACTGGATAGGTG[T>C]GTGTTGCAGAAGGGAGTGGGGAGGGTGGTGGGTGGGCCTGGAGCCTCAAATTCTTTCAGA-3'

ClinVar aggregate classification (germline): Uncertain significance (1 of 4 stars; one submission).

Conditions:
Hereditary spastic paraplegia 39 (SPG39). Also called: SPASTIC PARAPLEGIA 39, AUTOSOMAL RECESSIVE; Spastic Paraplegia Type 39 (SPG39). Identifiers: Orphanet 139480, MedGen C2677586, MONDO:0012787, OMIM 612020.

Allele frequency attached by ClinVar (database versions not stated): ExAC 0.00001; gnomAD exomes 0.00001.
gnomAD v4.1: 7 of 1,612,340 alleles (0.00043%); highest among the groups gnomAD compares: Non-Finnish European, 0.00059%; no homozygotes.

Submission:

Labcorp Genetics (formerly Invitae), Labcorp
Classification: Uncertain significance for Hereditary spastic paraplegia 39. Last evaluated: 2020-01-31. Review status: criteria provided, single submitter. Criteria: Invitae Variant Classification Sherloc (09022015). Collection method: clinical testing. Allele origin: germline.
Comment: In summary, the available evidence is currently insufficient to determine the role of this variant in disease. Therefore, it has been classified as a Variant of Uncertain Significance. Nucleotide substitutions within the consensus splice site are a relatively common cause of aberrant splicing (PMID: 17576681, 9536098). Algorithms developed to predict the effect of sequence changes on RNA splicing suggest that this variant is not likely to affect RNA splicing, but this prediction has not been confirmed by published transcriptional studies. This variant has not been reported in the literature in individuals with PNPLA6-related conditions. This variant is present in population databases (rs758703848, ExAC 0.002%). This sequence change falls in intron 23 of the PNPLA6 gene. It does not directly change the encoded amino acid sequence of the PNPLA6 protein, but it affects a nucleotide within the consensus splice site of the intron.

Literature cited by the submitters: PubMed 17576681; PubMed 9536098.